The following is an entry in ClinVar:

NM_006445.4(PRPF8):c.3252C>G (p.Pro1084=)

Gene: PRPF8 (pre-mRNA processing factor 8; minus strand). Cytogenetic location: 17p13.3.
Variant type: single nucleotide variant.
Coding change: c.3252C>G on transcript NM_006445.4 (MANE Select); coding-DNA position 3252, C replaced by G.
Protein change: p.Pro1084=; no amino-acid change (proline 1084 retained).
Molecular consequence: synonymous variant.
Genome position (GRCh38, 1-based): chr17:1,674,489, G>C on the plus strand (C>G on the coding strand, the complement: PRPF8 is on the minus strand). VCF-style: chr17-1674489-G-C. GRCh37 (hg19) VCF-style: chr17-1577783-G-C.
Identifiers: ClinVar variation 889762 (VCV000889762.14), dbSNP rs746764862, ClinGen allele CA8271942.
Genomic context (GRCh38, chr17:1,674,489, plus strand): 5'-GGAAAGCCCTCACCTGAAAAAAATATGGATGCGATCAATGTATCTGCAGAAGAGACGGAT[G>C]GGGTGGGCAGCCTCAGTGGCTATGTCCTGGAAACTGAGAAAGTCATTTGGCATCTGAGGG-3'
Protein context (NP_006436.3, residues 1074-1094): FQDIATEAAH[Pro1084=]IRLFCRYIDR

ClinVar aggregate classification (germline): Conflicting classifications of pathogenicity. Review status: criteria provided, conflicting classifications (1 of 4 stars). 4 submissions from 4 submitters: Uncertain significance (1); Likely benign (2). 1 of the submissions does not count toward it. Last evaluated 2024-02-24.

Conditions:
Retinitis pigmentosa (RP). Identifiers: Orphanet 791, MedGen C0035334, MeSH D012174, MONDO:0019200, OMIM 268000. Inheritance: Autosomal dominant, autosomal recessive and X linked inheritance.
PRPF8-related disorder. Also called: PRPF8-related condition.

Allele frequency attached by ClinVar (database versions not stated): TOPMed 0.00006.

Submissions (4):

Blueprint Genetics
Classification: Likely benign. Last evaluated: 2024-02-24. Review status: criteria provided, single submitter. Criteria: ACMG Guidelines, 2015. Collection method: clinical testing. Allele origin: germline.

Labcorp Genetics (formerly Invitae), Labcorp
Classification: Likely benign. Last evaluated: 2022-07-30. Review status: criteria provided, single submitter. Criteria: Invitae Variant Classification Sherloc (09022015). Collection method: clinical testing. Allele origin: germline.

Illumina Laboratory Services, Illumina
Classification: Uncertain significance for Retinitis pigmentosa. Last evaluated: 2018-01-13. Review status: criteria provided, single submitter. Criteria: ICSL Variant Classification Criteria 13 December 2019. Collection method: clinical testing. Allele origin: germline.

PreventionGenetics, part of Exact Sciences
Classification: Likely benign for PRPF8-related condition. Last evaluated: 2019-07-11. Review status: no assertion criteria provided. Collection method: clinical testing. Allele origin: germline. Not counted in ClinVar's aggregate classification.
Comment: This variant is classified as likely benign based on ACMG/AMP sequence variant interpretation guidelines (Richards et al. 2015 PMID: 25741868, with internal and published modifications).